The following is an entry in ClinVar:

ClinVar aggregate classification (germline): Uncertain significance (1 of 4 stars; one submission).

Conditions:
Hereditary cancer-predisposing syndrome. Also called: Hereditary neoplastic syndrome; Hereditary Cancer Syndrome; Neoplastic Syndromes, Hereditary; Tumor predisposition. Identifiers: Orphanet 140162, MedGen C0027672, MeSH D009386, MONDO:0015356.

Submission:

Ambry Genetics
Classification: Uncertain significance for Hereditary cancer-predisposing syndrome. Last evaluated: 2025-04-29. Review status: criteria provided, single submitter. Criteria: Ambry Variant Classification Scheme 2023. Collection method: clinical testing. Allele origin: germline.
Comment: The p.I7L variant (also known as c.19A>C), located in coding exon 1 of the MAX gene, results from an A to C substitution at nucleotide position 19. The isoleucine at codon 7 is replaced by leucine, an amino acid with highly similar properties. This amino acid position is conserved. In addition, the in silico prediction for this alteration is inconclusive. Since supporting evidence is limited at this time, the clinical significance of this alteration remains unclear.

NM_002382.5(MAX):c.19A>C (p.Ile7Leu)

Genes: MAX (MYC associated transcriptional regulator X; minus strand), LOC130055850 (ATAC-STARR-seq lymphoblastoid silent region 5847; plus strand). Cytogenetic location: 14q23.3.
Variant type: single nucleotide variant.
Coding change: c.19A>C on transcript NM_002382.5 (MANE Select); coding-DNA position 19, A replaced by C.
Protein change: p.Ile7Leu; replaces isoleucine 7 with leucine.
Molecular consequence: missense variant. On other transcripts: 5 prime UTR variant (2), intron variant (2).
Genome position (GRCh38, 1-based): chr14:65,102,321, T>G on the plus strand (A>C on the coding strand, the complement: MAX is on the minus strand). VCF-style: chr14-65102321-T-G. GRCh37 (hg19) VCF-style: chr14-65569039-T-G.
Other names: c.19A>C, p.Ile7Leu (NM_001271068.2, NM_001271069.2, NM_001407094.1 and 18 more transcripts); c.-256A>C (NM_001320415.2); c.-229A>C (NM_001407107.1); c.-305+188A>C (NM_001407112.1); c.-239+188A>C (NM_001407106.1); short protein forms I7L.
Identifiers: ClinVar variation 2568119 (VCV002568119.3), dbSNP rs2504532238, ClinGen allele CA390038986.